The following is an entry in ClinVar:

ClinVar aggregate classification (germline): Likely pathogenic (1 of 4 stars; one submission).

Conditions:
Very long chain acyl-CoA dehydrogenase deficiency (ACADVLD). Also called: Very Long-Chain Acyl-Coenzyme A Dehydrogenase Deficiency; VLCAD Deficiency. Identifiers: Orphanet 26793, MedGen C3887523, MONDO:0008723, OMIM 201475.

gnomAD v4.1: 1 of 1,613,988 alleles (0.000062%); highest among the groups gnomAD compares: Non-Finnish European, 0.000085%; no homozygotes.

Submission:

Natera, Inc.
Classification: Likely pathogenic for Very long chain acyl-CoA dehydrogenase deficiency. Last evaluated: 2025-10-06. Review status: criteria provided, single submitter. Criteria: Natera Variant Classification Schema (03/2026). Collection method: clinical testing. Allele origin: germline.
Comment: The c.854A>G variant in ACADVL is a missense variant predicted to cause substitution of glutamic acid to glycine at amino acid 285. This variant is rare in the general population with a frequency below the threshold expected for the associated phenotype(s). This variant has been observed in one or more individuals affected with the associated recessive disease, as either homozygous or compound heterozygous with a second variant (PMID: 27538624, 38390979). This variant has been observed to segregate in affected family members (PMID: 38390979). Computational prediction algorithms indicate this variant is likely to affect gene or protein function. Given the available evidence, this variant is classified as Likely Pathogenic.

Literature cited by the submitters: PubMed 27538624; PubMed 38390979.

NM_000018.4(ACADVL):c.854A>G (p.Glu285Gly)

Gene: ACADVL (acyl-CoA dehydrogenase very long chain; plus strand). Cytogenetic location: 17p13.1.
Variant type: single nucleotide variant.
Coding change: c.854A>G on transcript NM_000018.4 (MANE Select); coding-DNA position 854, A replaced by G.
Protein change: p.Glu285Gly; replaces glutamic acid 285 with glycine.
Molecular consequence: missense variant.
Genome position (GRCh38, 1-based): chr17:7,222,278, A>G. VCF-style: chr17-7222278-A-G. GRCh37 (hg19) VCF-style: chr17-7125597-A-G.
Other names: c.788A>G, p.Glu263Gly (NM_001033859.3); c.923A>G, p.Glu308Gly (NM_001270447.2); c.626A>G, p.Glu209Gly (NM_001270448.2); short protein forms E209G, E263G, E285G, E308G.
Identifiers: ClinVar variation 4817498 (VCV004817498.1).